The following is an entry in ClinVar:

ClinVar aggregate classification (germline): Benign/Likely benign. Review status: criteria provided, multiple submitters, no conflicts (2 of 4 stars). 7 submissions from 7 submitters: Benign (1); Likely benign (5). 1 of the submissions does not count toward it. Last evaluated 2025-11-24.

Conditions:
MSH6-related disorder. Also called: MSH6-related condition; MSH6-Related disorders.
Hereditary nonpolyposis colorectal neoplasms. Identifiers: MedGen C0009405, MeSH D003123.
Hereditary cancer-predisposing syndrome. Also called: Hereditary Cancer Syndrome; Hereditary neoplastic syndrome; Neoplastic Syndromes, Hereditary; Tumor predisposition. Identifiers: Orphanet 140162, MedGen C0027672, MeSH D009386, MONDO:0015356.
Lynch syndrome. Identifiers: Orphanet 144, MedGen C4552100, MONDO:0005835. Disease mechanism: loss of function.
Lynch syndrome 5 (LYNCH5). Also called: Hereditary non-polyposis colorectal cancer, type 5; Colorectal cancer, hereditary nonpolyposis, type 5. Identifiers: Orphanet 144, MedGen C1833477, MONDO:0013710, OMIM 614350. Disease mechanism: loss of function.

Allele frequency attached by ClinVar (database versions not stated): TOPMed 0.00001.

Submissions (7):

Labcorp Genetics (formerly Invitae), Labcorp
Classification: Likely benign for Hereditary nonpolyposis colorectal neoplasms. Last evaluated: 2025-11-24. Review status: criteria provided, single submitter. Criteria: Invitae Variant Classification Sherloc (09022015). Collection method: clinical testing. Allele origin: germline.

Myriad Genetics, Inc.
Classification: Benign for Lynch syndrome 5. Last evaluated: 2025-01-07. Review status: criteria provided, single submitter. Criteria: Myriad Autosomal Dominant, Autosomal Recessive and X-Linked Classification Criteria (2023). Collection method: clinical testing. Allele origin: unknown.
Comment: This variant is considered benign. This variant is a silent/synonymous amino acid change and it is not expected to impact splicing.

Women's Health and Genetics/Laboratory Corporation of America, LabCorp
Classification: Likely benign. Last evaluated: 2024-12-06. Review status: criteria provided, single submitter. Criteria: LabCorp Variant Classification Summary - May 2015. Collection method: clinical testing. Allele origin: germline.

All of Us Research Program, National Institutes of Health
Classification: Likely benign for Lynch syndrome. Last evaluated: 2024-08-13. Review status: criteria provided, single submitter. Criteria: ACMG Guidelines, 2015. Collection method: clinical testing. Allele origin: germline. Inheritance: Autosomal dominant inheritance. Observed: 3 variant alleles, 3 heterozygotes.
Comment: This study involves interpretation of variants in research participants for the purpose of population health screening. Participant phenotype was not available at the time of variant classification. Additional details can be found in publication PMID: 35346344, PMCID: PMC8962531

Ambry Genetics
Classification: Likely benign for Hereditary cancer-predisposing syndrome. Last evaluated: 2019-10-26. Review status: criteria provided, single submitter. Criteria: Ambry Variant Classification Scheme 2023. Collection method: clinical testing. Allele origin: germline.

Color Diagnostics, LLC DBA Color Health
Classification: Likely benign for Hereditary cancer-predisposing syndrome. Last evaluated: 2019-04-30. Review status: criteria provided, single submitter. Criteria: ACMG Guidelines, 2015. Collection method: clinical testing. Allele origin: germline.

PreventionGenetics, part of Exact Sciences
Classification: Likely benign for MSH6-related condition. Last evaluated: 2022-11-23. Review status: no assertion criteria provided. Collection method: clinical testing. Allele origin: germline. Not counted in ClinVar's aggregate classification.
Comment: This variant is classified as likely benign based on ACMG/AMP sequence variant interpretation guidelines (Richards et al. 2015 PMID: 25741868, with internal and published modifications).

NM_000179.3(MSH6):c.3708T>C (p.Ala1236=)

Gene: MSH6 (mutS homolog 6; plus strand). Cytogenetic location: 2p16.3.
Variant type: single nucleotide variant.
Coding change: c.3708T>C on transcript NM_000179.3 (MANE Select); coding-DNA position 3708, T replaced by C.
Protein change: p.Ala1236=; no amino-acid change (alanine 1236 retained).
Molecular consequence: synonymous variant.
Genome position (GRCh38, 1-based): chr2:47,806,265, T>C. VCF-style: chr2-47806265-T-C. GRCh37 (hg19) VCF-style: chr2-48033404-T-C.
Other names: c.3318T>C, p.Ala1106= (NM_001281492.2); c.2802T>C, p.Ala934= (NM_001281493.2, NM_001281494.2).
Identifiers: ClinVar variation 455279 (VCV000455279.22), dbSNP rs1553333043, ClinGen allele CA425997928.